The following is an entry in ClinVar:

NM_001211.6(BUB1B):c.2155C>A (p.Gln719Lys)

Gene: BUB1B (BUB1 mitotic checkpoint serine/threonine kinase B; plus strand). Cytogenetic location: 15q15.1.
Variant type: single nucleotide variant.
Coding change: c.2155C>A on transcript NM_001211.6 (MANE Select); coding-DNA position 2155, C replaced by A.
Protein change: p.Gln719Lys; replaces glutamine 719 with lysine.
Molecular consequence: missense variant.
Genome position (GRCh38, 1-based): chr15:40,209,646, C>A. VCF-style: chr15-40209646-C-A. GRCh37 (hg19) VCF-style: chr15-40501847-C-A.
Other names: short protein forms Q719K.
Identifiers: ClinVar variation 3483223 (VCV003483223.1).

ClinVar aggregate classification (germline): Uncertain significance (1 of 4 stars; one submission).

Conditions:
Inborn genetic diseases. Identifiers: MedGen C0950123, MeSH D030342.

Submission:

Ambry Genetics
Classification: Uncertain significance for Inborn genetic diseases. Last evaluated: 2024-10-27. Review status: criteria provided, single submitter. Criteria: Ambry Variant Classification Scheme 2023. Collection method: clinical testing. Allele origin: germline.
Comment: The p.Q719K variant (also known as c.2155C>A), located in coding exon 17 of the BUB1B gene, results from a C to A substitution at nucleotide position 2155. The glutamine at codon 719 is replaced by lysine, an amino acid with similar properties. This amino acid position is conserved. In addition, this alteration is predicted to be tolerated by in silico analysis. Based on the available evidence, the clinical significance of this variant remains unclear.